The following is an entry in ClinVar:

NM_000159.4(GCDH):c.472G>A (p.Glu158Lys)

Gene: GCDH (glutaryl-CoA dehydrogenase; plus strand). Cytogenetic location: 19p13.13.
Variant type: single nucleotide variant.
Coding change: c.472G>A on transcript NM_000159.4 (MANE Select); coding-DNA position 472, G replaced by A.
Protein change: p.Glu158Lys; replaces glutamic acid 158 with lysine.
Molecular consequence: missense variant. On other transcripts: non-coding transcript variant (2).
Genome position (GRCh38, 1-based): chr19:12,893,620, G>A. VCF-style: chr19-12893620-G-A. GRCh37 (hg19) VCF-style: chr19-13004434-G-A.
Other names: c.472G>A, p.Glu158Lys (NM_013976.5); short protein forms E158K.
Identifiers: ClinVar variation 1879418 (VCV001879418.29), dbSNP rs755745252, ClinGen allele CA9234395.

ClinVar aggregate classification (germline): Uncertain significance (1 of 4 stars; one submission).

Allele frequency attached by ClinVar (database versions not stated): ExAC 0.00001; gnomAD 0.00001; gnomAD exomes 0.00001.

Submission:

CeGaT Center for Human Genetics Tuebingen
Classification: Uncertain significance. Last evaluated: 2022-11-01. Review status: criteria provided, single submitter. Criteria: CeGaT Center For Human Genetics Tuebingen Variant Classification Criteria Version 2. Collection method: clinical testing. Allele origin: germline. Affected: yes. Observed: 1 variant allele.
Comment: GCDH: PM2, PP4:Moderate